The following is an entry in ClinVar:

NM_004750.5(CRLF1):c.499A>G (p.Thr167Ala)

Gene: CRLF1 (cytokine receptor like factor 1; minus strand). Cytogenetic location: 19p13.11.
Variant type: single nucleotide variant.
Coding change: c.499A>G on transcript NM_004750.5 (MANE Select); coding-DNA position 499, A replaced by G.
Protein change: p.Thr167Ala; replaces threonine 167 with alanine.
Molecular consequence: missense variant.
Genome position (GRCh38, 1-based): chr19:18,598,800, T>C on the plus strand (A>G on the coding strand, the complement: CRLF1 is on the minus strand). VCF-style: chr19-18598800-T-C. GRCh37 (hg19) VCF-style: chr19-18709610-T-C.
Other names: c.499A>G (NM_004750.4); short protein forms T167A.
Identifiers: ClinVar variation 2099494 (VCV002099494.5), dbSNP rs553165333, ClinGen allele CA306261740.

ClinVar aggregate classification (germline): Uncertain significance. Review status: criteria provided, multiple submitters, no conflicts (2 of 4 stars). 2 submissions from 2 submitters: Uncertain significance (2). Last evaluated 2024-07-27.

Conditions:
Inborn genetic diseases. Identifiers: MedGen C0950123, MeSH D030342.

Allele frequency attached by ClinVar (database versions not stated): TOPMed 0.00006.

Submissions (2):

Ambry Genetics
Classification: Uncertain significance for Inborn genetic diseases. Last evaluated: 2024-07-27. Review status: criteria provided, single submitter. Criteria: Ambry Variant Classification Scheme 2023. Collection method: clinical testing. Allele origin: germline.

Labcorp Genetics (formerly Invitae), Labcorp
Classification: Uncertain significance. Last evaluated: 2022-07-20. Review status: criteria provided, single submitter. Criteria: Invitae Variant Classification Sherloc (09022015). Collection method: clinical testing. Allele origin: germline.
Comment: This sequence change replaces threonine, which is neutral and polar, with alanine, which is neutral and non-polar, at codon 167 of the CRLF1 protein (p.Thr167Ala). This variant is not present in population databases (gnomAD no frequency). This variant has not been reported in the literature in individuals affected with CRLF1-related conditions. Algorithms developed to predict the effect of missense changes on protein structure and function are either unavailable or do not agree on the potential impact of this missense change (SIFT: "Tolerated"; PolyPhen-2: "Probably Damaging"; Align-GVGD: "Class C0"). In summary, the available evidence is currently insufficient to determine the role of this variant in disease. Therefore, it has been classified as a Variant of Uncertain Significance.